The following is an entry in ClinVar:

ClinVar aggregate classification (germline): Uncertain significance. Review status: criteria provided, multiple submitters, no conflicts (2 of 4 stars). 3 submissions from 3 submitters: Uncertain significance (3). Last evaluated 2025-03-27.

Conditions:
Inborn genetic diseases. Identifiers: MedGen C0950123, MeSH D030342.
Fanconi anemia (FA). Also called: Fanconi's anemia. Identifiers: Orphanet 84, MedGen C0015625, MeSH D005199, MONDO:0019391.
Spermatogenic failure 28. Identifiers: MedGen C4748117, MONDO:0054732, OMIM 618086.
Premature ovarian failure 15. Identifiers: MedGen C4748170, MONDO:0054862, OMIM 618096.

Allele frequency attached by ClinVar (database versions not stated): gnomAD exomes below 0.00001; TOPMed 0.00001.

Submissions (3):

Ambry Genetics
Classification: Uncertain significance for Inborn genetic diseases. Last evaluated: 2025-03-27. Review status: criteria provided, single submitter. Criteria: Ambry Variant Classification Scheme 2023. Collection method: clinical testing. Allele origin: germline.
Comment: The p.P1323L variant (also known as c.3968C>T), located in coding exon 14 of the FANCM gene, results from a C to T substitution at nucleotide position 3968. The proline at codon 1323 is replaced by leucine, an amino acid with similar properties. This amino acid position is conserved. In addition, this alteration is predicted to be tolerated by in silico analysis. Based on the available evidence, the clinical significance of this variant remains unclear.

Labcorp Genetics (formerly Invitae), Labcorp
Classification: Uncertain significance for Fanconi anemia. Last evaluated: 2022-06-04. Review status: criteria provided, single submitter. Criteria: Invitae Variant Classification Sherloc (09022015). Collection method: clinical testing. Allele origin: germline.
Comment: In summary, the available evidence is currently insufficient to determine the role of this variant in disease. Therefore, it has been classified as a Variant of Uncertain Significance. Algorithms developed to predict the effect of missense changes on protein structure and function output the following: SIFT: "Tolerated"; PolyPhen-2: "Benign"; Align-GVGD: "Class C0". The leucine amino acid residue is found in multiple mammalian species, which suggests that this missense change does not adversely affect protein function. ClinVar contains an entry for this variant (Variation ID: 863890). This variant has not been reported in the literature in individuals affected with FANCM-related conditions. This variant is present in population databases (no rsID available, gnomAD 0.003%). This sequence change replaces proline, which is neutral and non-polar, with leucine, which is neutral and non-polar, at codon 1323 of the FANCM protein (p.Pro1323Leu).

Fulgent Genetics
Classification: Uncertain significance for Spermatogenic failure 28; Premature ovarian failure 15. Last evaluated: 2021-11-24. Review status: criteria provided, single submitter. Criteria: ACMG Guidelines, 2015. Collection method: clinical testing. Allele origin: unknown.

NM_020937.4(FANCM):c.3968C>T (p.Pro1323Leu)

Gene: FANCM (FA complementation group M; plus strand). Cytogenetic location: 14q21.2.
Variant type: single nucleotide variant.
Coding change: c.3968C>T on transcript NM_020937.4 (MANE Select); coding-DNA position 3968, C replaced by T.
Protein change: p.Pro1323Leu; replaces proline 1323 with leucine.
Molecular consequence: missense variant.
Genome position (GRCh38, 1-based): chr14:45,176,722, C>T. VCF-style: chr14-45176722-C-T. GRCh37 (hg19) VCF-style: chr14-45645925-C-T.
Other names: c.3890C>T, p.Pro1297Leu (NM_001308133.2); short protein forms P1297L, P1323L.
Identifiers: ClinVar variation 863890 (VCV000863890.12), dbSNP rs1369746830, ClinGen allele CA389603776.